The following is an entry in ClinVar:

ClinVar aggregate classification (germline): Likely benign. Review status: criteria provided, single submitter (1 of 4 stars). 2 submissions from 2 submitters: Likely benign (1). 1 of the submissions does not count toward it. Last evaluated 2024-10-18.

Conditions:
AGTPBP1-related disorder. Also called: AGTPBP1-related condition.

Allele frequency attached by ClinVar (database versions not stated): gnomAD exomes 0.00024; ExAC 0.00074; gnomAD 0.00262; TOPMed 0.00292; ESP Exome Variant Server 0.00308; 1000 Genomes Project 0.00339; 1000 Genomes Project 30x 0.00359.
gnomAD v4.1: 746 of 1,571,384 alleles (0.047%); highest among the groups gnomAD compares: African/African-American, 0.93%; 4 homozygotes.

Submissions (2):

Blueprint Genetics
Classification: Likely benign. Last evaluated: 2024-10-18. Review status: criteria provided, single submitter. Criteria: ACMG Guidelines, 2015. Collection method: clinical testing. Allele origin: germline.

PreventionGenetics, part of Exact Sciences
Classification: Benign for AGTPBP1-related condition. Last evaluated: 2019-06-03. Review status: no assertion criteria provided. Collection method: clinical testing. Allele origin: germline. Not counted in ClinVar's aggregate classification.
Comment: This variant is classified as benign based on ACMG/AMP sequence variant interpretation guidelines (Richards et al. 2015 PMID: 25741868, with internal and published modifications).

NM_001330701.2(AGTPBP1):c.662+8A>G

Gene: AGTPBP1 (ATP/GTP binding carboxypeptidase 1; minus strand). Cytogenetic location: 9q21.33.
Variant type: single nucleotide variant.
Coding change: c.662+8A>G on transcript NM_001330701.2 (MANE Select); 8 bases into the intron after coding-DNA position 662, A replaced by G.
Molecular consequence: intron variant.
Genome position (GRCh38, 1-based): chr9:85,669,477, T>C on the plus strand (A>G on the coding strand, the complement: AGTPBP1 is on the minus strand). VCF-style: chr9-85669477-T-C. GRCh37 (hg19) VCF-style: chr9-88284392-T-C.
Other names: c.818+8A>G (NM_001286717.1, NM_001286715.1); c.662+8A>G (NM_015239.3).
Identifiers: ClinVar variation 3038621 (VCV003038621.3), dbSNP rs142715147, ClinGen allele CA5106722.
Genomic context (GRCh38, chr9:85,669,477, plus strand): 5'-ATATCAAGATAATGAGGCCCAGAGTAACAAAGGCTATACCTATGTTTACATTCAAAACAT[T>C]TACTCACTTTATAAGACTGGAATTCTTCTTACTAAATGGTCCAATGATTTTAAACATCAG-3'